The following is an entry in ClinVar:

NM_000057.4(BLM):c.563A>G (p.Lys188Arg)

Gene: BLM (BLM RecQ like helicase; plus strand). Cytogenetic location: 15q26.1.
Variant type: single nucleotide variant.
Coding change: c.563A>G on transcript NM_000057.4 (MANE Select); coding-DNA position 563, A replaced by G.
Protein change: p.Lys188Arg; replaces lysine 188 with arginine.
Molecular consequence: missense variant. On other transcripts: 5 prime UTR variant (1).
Genome position (GRCh38, 1-based): chr15:90,749,831, A>G. VCF-style: chr15-90749831-A-G. GRCh37 (hg19) VCF-style: chr15-91293061-A-G.
Other names: c.563A>G (NM_000057.2); c.563A>G, p.Lys188Arg (NM_001287246.2, NM_001287247.2); c.-729A>G (NM_001287248.2); short protein forms K188R.
Identifiers: ClinVar variation 644576 (VCV000644576.15), dbSNP rs907949967, ClinGen allele CA274728231.

ClinVar aggregate classification (germline): Uncertain significance. Review status: criteria provided, multiple submitters, no conflicts (2 of 4 stars). 4 submissions from 4 submitters: Uncertain significance (2). 2 of the submissions do not count toward it. Last evaluated 2025-08-29.

Conditions:
Bloom syndrome (BLM). Also called: Bloom-Torre-Machacek syndrome. Identifiers: Orphanet 125, MedGen C0005859, MONDO:0008876, OMIM 210900.
Hereditary cancer-predisposing syndrome. Also called: Neoplastic Syndromes, Hereditary; Tumor predisposition; Hereditary neoplastic syndrome; Hereditary Cancer Syndrome. Identifiers: Orphanet 140162, MedGen C0027672, MeSH D009386, MONDO:0015356.
BLM-related disorder. Also called: BLM-related condition.

Allele frequency attached by ClinVar (database versions not stated): gnomAD exomes below 0.00001 and 0.00002.

Submissions (4):

Ambry Genetics
Classification: Uncertain significance for Hereditary cancer-predisposing syndrome. Last evaluated: 2025-08-29. Review status: criteria provided, single submitter. Criteria: Ambry Variant Classification Scheme 2023. Collection method: clinical testing. Allele origin: germline.

Labcorp Genetics (formerly Invitae), Labcorp
Classification: Uncertain significance for Bloom syndrome. Last evaluated: 2025-06-09. Review status: criteria provided, single submitter. Criteria: Invitae Variant Classification Sherloc (09022015). Collection method: clinical testing. Allele origin: germline.
Comment: This sequence change replaces lysine, which is basic and polar, with arginine, which is basic and polar, at codon 188 of the BLM protein (p.Lys188Arg). This variant is present in population databases (no rsID available, gnomAD 0.0009%). This variant has not been reported in the literature in individuals affected with BLM-related conditions. ClinVar contains an entry for this variant (Variation ID: 644576). An algorithm developed to predict the effect of missense changes on protein structure and function outputs the following: PolyPhen-2: "Benign". The arginine amino acid residue is found in multiple mammalian species, which suggests that this missense change does not adversely affect protein function. In summary, the available evidence is currently insufficient to determine the role of this variant in disease. Therefore, it has been classified as a Variant of Uncertain Significance.

PreventionGenetics, part of Exact Sciences
Classification: Uncertain significance for BLM-related condition. Last evaluated: 2023-11-20. Review status: no assertion criteria provided. Collection method: clinical testing. Allele origin: germline. Not counted in ClinVar's aggregate classification.
Comment: The BLM c.563A>G variant is predicted to result in the amino acid substitution p.Lys188Arg. To our knowledge, this variant has not been reported in the literature. This variant has been reported as a variant of uncertain significance in ClinVar. This variant is reported in 0.00092% of alleles in individuals of European (Non-Finnish) descent in gnomAD. At this time, the clinical significance of this variant is uncertain due to the absence of conclusive functional and genetic evidence.

Natera, Inc.
Classification: Uncertain significance for Bloom syndrome. Last evaluated: 2018-08-09. Review status: no assertion criteria provided. Collection method: clinical testing. Allele origin: germline. Not counted in ClinVar's aggregate classification.